The following is an entry in ClinVar:

ClinVar aggregate classification (germline): Uncertain significance (1 of 4 stars; one submission).

Submission:

Labcorp Genetics (formerly Invitae), Labcorp
Classification: Uncertain significance. Last evaluated: 2022-07-12. Review status: criteria provided, single submitter. Criteria: Invitae Variant Classification Sherloc (09022015). Collection method: clinical testing. Allele origin: germline.
Comment: This sequence change falls in intron 5 of the AARS2 gene. It does not directly change the encoded amino acid sequence of the AARS2 protein. Information on the frequency of this variant in the gnomAD database is not available, as this variant may be reported differently in the database. This variant has not been reported in the literature in individuals affected with AARS2-related conditions. Experimental studies and prediction algorithms are not available or were not evaluated, and the effect of this variant on mRNA splicing is currently unknown. In summary, the available evidence is currently insufficient to determine the role of this variant in disease. Therefore, it has been classified as a Variant of Uncertain Significance.

NM_020745.4(AARS2):c.895-13_895-12inv

Gene: AARS2 (alanyl-tRNA synthetase 2, mitochondrial; minus strand). Cytogenetic location: 6p21.1.
Variant type: Inversion.
Coding change: c.895-13_895-12inv on transcript NM_020745.4 (MANE Select).
Molecular consequence: intron variant.
Genome position: GRCh38 VCF-style: chr6-44307406-AA-TT. GRCh37 (hg19) VCF-style: chr6-44275143-AA-TT.
Identifiers: ClinVar variation 2122748 (VCV002122748.4), ClinGen allele CA2580074675.